The following is an entry in ClinVar:

ClinVar aggregate classification (germline): Likely benign. Review status: criteria provided, multiple submitters, no conflicts (2 of 4 stars). 3 submissions from 3 submitters: Likely benign (3). Last evaluated 2024-11-25.

Allele frequency attached by ClinVar (database versions not stated): gnomAD 0.00015 and 0.00017; gnomAD exomes 0.00025 and 0.00008; TOPMed 0.00014.
gnomAD v4.1: 360 of 1,529,580 alleles (0.024%); highest among the groups gnomAD compares: Non-Finnish European, 0.03%; no homozygotes.

Submissions (3):

Blueprint Genetics
Classification: Likely benign. Last evaluated: 2024-11-25. Review status: criteria provided, single submitter. Criteria: ACMG Guidelines, 2015. Collection method: clinical testing. Allele origin: germline.

Labcorp Genetics (formerly Invitae), Labcorp
Classification: Likely benign. Last evaluated: 2021-12-24. Review status: criteria provided, single submitter. Criteria: Invitae Variant Classification Sherloc (09022015). Collection method: clinical testing. Allele origin: germline.

Laboratory for Molecular Medicine, Mass General Brigham Personalized Medicine
Classification: Likely benign. Last evaluated: 2016-01-23. Review status: criteria provided, single submitter. Criteria: LMM Criteria. Collection method: clinical testing. Allele origin: germline. Observed: 1 variant allele.
Comment: c.7729+13C>T in intron 45 of OTOG: This variant is not expected to have clinical significance because it does not alter an amino acid residue and is not located within the splice consensus sequence.

NM_001292063.2(OTOG):c.7693+13C>T

Gene: OTOG (otogelin; plus strand). Cytogenetic location: 11p15.1.
Variant type: single nucleotide variant.
Coding change: c.7693+13C>T on transcript NM_001292063.2 (MANE Select); 13 bases into the intron after coding-DNA position 7693, C replaced by T.
Molecular consequence: intron variant.
Genome position (GRCh38, 1-based): chr11:17,635,200, C>T. VCF-style: chr11-17635200-C-T. GRCh37 (hg19) VCF-style: chr11-17656747-C-T.
Other names: c.7729+13C>T (NM_001277269.2).
Identifiers: ClinVar variation 227797 (VCV000227797.10), dbSNP rs773422239, ClinGen allele CA10576873.